The following is an entry in ClinVar:

ClinVar aggregate classification (germline): Uncertain significance (1 of 4 stars; one submission).

Submission:

GeneDx
Classification: Uncertain significance. Last evaluated: 2024-07-10. Review status: criteria provided, single submitter. Criteria: GeneDx Variant Classification Process June 2021. Collection method: clinical testing. Allele origin: germline. Affected: yes.
Comment: Not observed at significant frequency in large population cohorts (gnomAD); In silico analysis indicates that this missense variant does not alter protein structure/function; Has not been previously published as pathogenic or benign to our knowledge

NM_001025077.3(CELF2):c.32G>T (p.Arg11Ile)

Gene: CELF2 (CUGBP Elav-like family member 2; plus strand). Cytogenetic location: 10p14.
Variant type: single nucleotide variant.
Coding change: c.32G>T on transcript NM_001025077.3; coding-DNA position 32, G replaced by T.
Protein change: p.Arg11Ile; replaces arginine 11 with isoleucine.
Molecular consequence: missense variant. On other transcripts: 5 prime UTR variant (2), intron variant (13).
Genome position (GRCh38, 1-based): chr10:11,005,419, G>T. VCF-style: chr10-11005419-G-T. GRCh37 (hg19) VCF-style: chr10-11047382-G-T.
Other names: c.32G>T, p.Arg11Ile (NM_001326331.2, NM_001326332.2, NM_001326335.2 and 3 more transcripts); c.-573G>T (NM_001326333.2); c.-226G>T (NM_001326334.2); c.-20+85420G>T (NM_001326323.2, NM_001326320.2, NM_001326321.2 and 4 more transcripts); c.-20+64965G>T (NM_001326319.2); c.146+85420G>T (NM_001326325.2); c.89+85420G>T (NM_001326327.2, NM_001326326.2); c.-20+421G>T (NM_001326330.2, NM_001326329.2); short protein forms R11I.
Identifiers: ClinVar variation 3572839 (VCV003572839.1).